The following is an entry in ClinVar:

NM_144573.4(NEXN):c.62C>T (p.Thr21Ile)

Gene: NEXN (nexilin F-actin binding protein; plus strand). Cytogenetic location: 1p31.1.
Variant type: single nucleotide variant.
Coding change: c.62C>T on transcript NM_144573.4 (MANE Select); coding-DNA position 62, C replaced by T.
Protein change: p.Thr21Ile; replaces threonine 21 with isoleucine.
Molecular consequence: missense variant. On other transcripts: intron variant (1).
Genome position (GRCh38, 1-based): chr1:77,917,600, C>T. VCF-style: chr1-77917600-C-T. GRCh37 (hg19) VCF-style: chr1-78383285-C-T.
Other names: p.T21I:ACC>ATC; c.28-360C>T (NM_001172309.2); short protein forms T21I.
Identifiers: ClinVar variation 201914 (VCV000201914.2), dbSNP rs794729081, ClinGen allele CA335382.

ClinVar aggregate classification (germline): Uncertain significance (1 of 4 stars; one submission).

Allele frequency attached by ClinVar (database versions not stated): gnomAD exomes below 0.00001.
gnomAD v4.1: 1 of 1,613,362 alleles (0.000062%); highest among the groups gnomAD compares: Non-Finnish European, 0.000085%; no homozygotes.

Submission:

GeneDx
Classification: Uncertain significance. Last evaluated: 2013-07-09. Review status: criteria provided, single submitter. Criteria: GeneDx Variant Classification (06012015). Collection method: clinical testing. Allele origin: germline. Affected: yes.
Comment: The Thr21Ile variant in the NEXN gene has not been reported as a disease-causing mutation or as a benign polymorphism to our knowledge. Thr21Ile results in a non-conservative amino acid substitution of a polar Threonine with a non-polar Isoleucine at a position that is class conserved across species. In silico analysis predicts Thr21Ile is benign to the protein structure/function. Also, no mutations in nearby residues have been reported in association with cardiomyopathy. However, the Thr21Ile variant was not observed in approximately 6,000 individuals of European and African American ancestry in the NHLBI Exome Sequencing Project, indicating it is not a common benign variant in these populations. This variant is found in DCM panel(s).